The following is an entry in ClinVar:

ClinVar aggregate classification (germline): Benign/Likely benign. Review status: criteria provided, multiple submitters, no conflicts (2 of 4 stars). 6 submissions from 6 submitters: Benign (2); Likely benign (4). Last evaluated 2026-06-16.

Conditions:
KARS1-related disorder. Also called: KARS1-related disorders.

Allele frequency attached by ClinVar (database versions not stated): gnomAD 0.00007 and 0.00009; gnomAD exomes 0.00009 and 0.00031; TOPMed 0.00012; 1000 Genomes Project 30x 0.00016; 1000 Genomes Project 0.00020; ExAC 0.00027.
gnomAD v4.1: 151 of 1,614,130 alleles (0.0094%); highest among the groups gnomAD compares: East Asian, 0.23%; no homozygotes.

Submissions (6):

PreventionGenetics, part of Exact Sciences
Classification: Likely benign for KARS1-related condition. Last evaluated: 2026-06-16. Review status: criteria provided, single submitter. Criteria: ACMG Guidelines, 2015. Collection method: clinical testing. Allele origin: germline.
Comment: This variant is classified as likely benign based on ACMG/AMP sequence variant interpretation guidelines (Richards et al. 2015 PMID: 25741868, with internal and published modifications).

Labcorp Genetics (formerly Invitae), Labcorp
Classification: Benign. Last evaluated: 2026-01-21. Review status: criteria provided, single submitter. Criteria: Invitae Variant Classification Sherloc (09022015). Collection method: clinical testing. Allele origin: germline.

Blueprint Genetics
Classification: Likely benign. Last evaluated: 2024-08-30. Review status: criteria provided, single submitter. Criteria: ACMG Guidelines, 2015. Collection method: clinical testing. Allele origin: germline.

CeGaT Center for Human Genetics Tuebingen
Classification: Likely benign. Last evaluated: 2024-03-01. Review status: criteria provided, single submitter. Criteria: CeGaT Center For Human Genetics Tuebingen Variant Classification Criteria Version 2. Collection method: clinical testing. Allele origin: germline. Affected: yes. Observed: 3 variant alleles.
Comment: KARS1: BP4, BP7

GeneDx
Classification: Likely benign. Last evaluated: 2020-01-14. Review status: criteria provided, single submitter. Criteria: GeneDx Variant Classification Process June 2021. Collection method: clinical testing. Allele origin: germline. Affected: yes.

Laboratory for Molecular Medicine, Mass General Brigham Personalized Medicine
Classification: Benign. Last evaluated: 2016-04-12. Review status: criteria provided, single submitter. Criteria: LMM Criteria. Collection method: clinical testing. Allele origin: germline. Observed: 2 variant alleles.
Comment: p.Tyr281Tyr in exon 7 of KARS: This variant is not expected to have clinical sig nificance because it does not alter an amino acid residue and is not located wit hin the splice consensus sequence. It has been identified in 0.3% (25/8652) of E ast Asian chromosomes by the Exome Aggregation Consortium (ExAC; dbSNP rs538215630).

NM_005548.3(KARS1):c.759T>C (p.Tyr253=)

Gene: KARS1 (lysyl-tRNA synthetase 1; minus strand). Cytogenetic location: 16q23.1.
Variant type: single nucleotide variant.
Coding change: c.759T>C on transcript NM_005548.3 (MANE Select); coding-DNA position 759, T replaced by C.
Protein change: p.Tyr253=; no amino-acid change (tyrosine 253 retained).
Molecular consequence: synonymous variant.
Genome position (GRCh38, 1-based): chr16:75,635,716, A>G on the plus strand (T>C on the coding strand, the complement: KARS1 is on the minus strand). VCF-style: chr16-75635716-A-G. GRCh37 (hg19) VCF-style: chr16-75669614-A-G.
Other names: c.843T>C, p.Tyr281= (NM_001130089.2); c.291T>C, p.Tyr97= (NM_001378148.1).
Identifiers: ClinVar variation 504925 (VCV000504925.43), dbSNP rs538215630, ClinGen allele CA8177519.